The following is an entry in ClinVar:

ClinVar aggregate classification (germline): Conflicting classifications of pathogenicity. Review status: criteria provided, conflicting classifications (1 of 4 stars). 2 submissions from 2 submitters: Uncertain significance (1); Likely benign (1). Last evaluated 2024-09-02.

Allele frequency attached by ClinVar (database versions not stated): gnomAD exomes 0.00012; ExAC 0.00019; ESP Exome Variant Server 0.00031; gnomAD 0.00039; TOPMed 0.00040; 1000 Genomes Project 30x 0.00094; 1000 Genomes Project 0.00100.
gnomAD v4.1: 270 of 1,613,812 alleles (0.017%); highest among the groups gnomAD compares: Middle Eastern, 0.13%; no homozygotes.

Submissions (2):

Blueprint Genetics
Classification: Likely benign. Last evaluated: 2024-09-02. Review status: criteria provided, single submitter. Criteria: ACMG Guidelines, 2015. Collection method: clinical testing. Allele origin: germline.

Women's Health and Genetics/Laboratory Corporation of America, LabCorp
Classification: Uncertain significance. Last evaluated: 2024-03-12. Review status: criteria provided, single submitter. Criteria: LabCorp Variant Classification Summary - May 2015. Collection method: clinical testing. Allele origin: germline.
Comment: Variant summary: TMEM94 c.613-6C>T alters a non-conserved nucleotide located close to a canonical splice site and therefore could affect mRNA splicing, leading to a significantly altered protein sequence. Consensus agreement among computation tools predict no significant impact on normal splicing. However, these predictions have yet to be confirmed by functional studies. The variant allele was found at a frequency of 0.00019 in 248766 control chromosomes (gnomAD). To our knowledge, no occurrence of c.613-6C>T in individuals affected with Intellectual Developmental Disorder With Cardiac Defects And Dysmorphic Facies and no experimental evidence demonstrating its impact on protein function have been reported. No submitters have cited clinical-significance assessments for this variant to ClinVar. Based on the evidence outlined above, the variant was classified as uncertain significance.

NM_014738.6(TMEM94):c.613-6C>T

Gene: TMEM94 (transmembrane protein 94; plus strand). Cytogenetic location: 17q25.1.
Variant type: single nucleotide variant.
Coding change: c.613-6C>T on transcript NM_014738.6 (MANE Select); 6 bases into the intron before coding-DNA position 613, C replaced by T.
Molecular consequence: intron variant.
Genome position (GRCh38, 1-based): chr17:75,488,753, C>T. VCF-style: chr17-75488753-C-T. GRCh37 (hg19) VCF-style: chr17-73484834-C-T.
Other names: c.613-6C>T (NM_001321149.2, NM_001351202.2); c.643-6C>T (NM_001321148.2, NM_001351203.2).
Identifiers: ClinVar variation 3233484 (VCV003233484.3), dbSNP rs144905502, ClinGen allele CA8761532.